The following is an entry in ClinVar:

ClinVar aggregate classification (germline): Pathogenic (1 of 4 stars; one submission).

Conditions:
Hereditary cancer-predisposing syndrome. Also called: Tumor predisposition; Hereditary Cancer Syndrome; Neoplastic Syndromes, Hereditary; Hereditary neoplastic syndrome. Identifiers: Orphanet 140162, MedGen C0027672, MeSH D009386, MONDO:0015356.

Submission:

Ambry Genetics
Classification: Pathogenic for Hereditary cancer-predisposing syndrome. Last evaluated: 2018-05-18. Review status: criteria provided, single submitter. Criteria: Ambry Variant Classification Scheme 2023. Collection method: clinical testing. Allele origin: germline.
Comment: The p.E89* pathogenic mutation (also known as c.265G>T), located in coding exon 2 of the RAD51C gene, results from a G to T substitution at nucleotide position 265. This changes the amino acid from a glutamic acid to a stop codon within coding exon 2. This alteration is expected to result in loss of function by premature protein truncation or nonsense-mediated mRNA decay. As such, this alteration is interpreted as a disease-causing mutation.

NM_058216.3(RAD51C):c.265G>T (p.Glu89Ter)

Gene: RAD51C (RAD51 paralog C; plus strand). Cytogenetic location: 17q22.
Variant type: single nucleotide variant.
Coding change: c.265G>T on transcript NM_058216.3 (MANE Select); coding-DNA position 265, G replaced by T.
Protein change: p.Glu89Ter; replaces glutamic acid 89 with a stop codon.
Molecular consequence: nonsense. On other transcripts: non-coding transcript variant (2).
Genome position (GRCh38, 1-based): chr17:58,695,050, G>T. VCF-style: chr17-58695050-G-T. GRCh37 (hg19) VCF-style: chr17-56772411-G-T.
Other names: c.265G>T, p.Glu89Ter (NM_002876.4, NM_058217.1); short protein forms E89*.
Identifiers: ClinVar variation 1794436 (VCV001794436.2), dbSNP rs876658197, ClinGen allele CA400340597.